The following is an entry in ClinVar:

ClinVar aggregate classification (germline): Likely benign (0 of 4 stars; one submission).

Conditions:
TLR1-related disorder. Also called: TLR1-related condition.

Allele frequency attached by ClinVar (database versions not stated): gnomAD 0.00001; TOPMed 0.00001; gnomAD exomes 0.00003; ExAC 0.00008.
gnomAD v4.1: 43 of 1,613,402 alleles (0.0027%); highest among the groups gnomAD compares: Non-Finnish European, 0.0033%; no homozygotes.

Submission:

PreventionGenetics, part of Exact Sciences
Classification: Likely benign for TLR1-related condition. Last evaluated: 2019-04-15. Review status: no assertion criteria provided. Collection method: clinical testing. Allele origin: germline.
Comment: This variant is classified as likely benign based on ACMG/AMP sequence variant interpretation guidelines (Richards et al. 2015 PMID: 25741868, with internal and published modifications).

NM_003263.4(TLR1):c.213G>A (p.Leu71=)

Gene: TLR1 (toll like receptor 1; minus strand). Cytogenetic location: 4p14.
Variant type: single nucleotide variant.
Coding change: c.213G>A on transcript NM_003263.4 (MANE Select); coding-DNA position 213, G replaced by A.
Protein change: p.Leu71=; no amino-acid change (leucine 71 retained).
Molecular consequence: synonymous variant.
Genome position (GRCh38, 1-based): chr4:38,798,619, C>T on the plus strand (G>A on the coding strand, the complement: TLR1 is on the minus strand). VCF-style: chr4-38798619-C-T. GRCh37 (hg19) VCF-style: chr4-38800240-C-T.
Identifiers: ClinVar variation 3057527 (VCV003057527.2), dbSNP rs772275682, ClinGen allele CA2889583.